The following is an entry in ClinVar:

ClinVar aggregate classification (germline): Uncertain significance (1 of 4 stars; one submission).

Conditions:
Singleton-Merten syndrome 1 (SGMRT1). Also called: Widened medullary cavities of bone, aortic calcification, abnormal dentition, and muscular weakness; Syndrome of widened medullary cavities of the metacarpals and phalanges, aortic calcification and abnormal dentition. Identifiers: Orphanet 85191, MedGen C4225427, MONDO:0024535, OMIM 182250.
Aicardi-Goutieres syndrome 7 (AGS7). Identifiers: Orphanet 51, MedGen C3888244, MONDO:0014367, OMIM 615846.

Submission:

Labcorp Genetics (formerly Invitae), Labcorp
Classification: Uncertain significance for Aicardi-Goutieres syndrome 7; Singleton-Merten syndrome 1. Last evaluated: 2024-12-17. Review status: criteria provided, single submitter. Criteria: Invitae Variant Classification Sherloc (09022015). Collection method: clinical testing. Allele origin: germline.
Comment: This sequence change replaces leucine, which is neutral and non-polar, with valine, which is neutral and non-polar, at codon 832 of the IFIH1 protein (p.Leu832Val). This variant is not present in population databases (gnomAD no frequency). This variant has not been reported in the literature in individuals affected with IFIH1-related conditions. An algorithm developed to predict the effect of missense changes on protein structure and function outputs the following: PolyPhen-2: "Benign". The valine amino acid residue is found in multiple mammalian species, which suggests that this missense change does not adversely affect protein function. In summary, the available evidence is currently insufficient to determine the role of this variant in disease. Therefore, it has been classified as a Variant of Uncertain Significance.

NM_022168.4(IFIH1):c.2494C>G (p.Leu832Val)

Gene: IFIH1 (interferon induced with helicase C domain 1; minus strand). Cytogenetic location: 2q24.2.
Variant type: single nucleotide variant.
Coding change: c.2494C>G on transcript NM_022168.4 (MANE Select); coding-DNA position 2494, C replaced by G.
Protein change: p.Leu832Val; replaces leucine 832 with valine.
Molecular consequence: missense variant.
Genome position (GRCh38, 1-based): chr2:162,272,348, G>C on the plus strand (C>G on the coding strand, the complement: IFIH1 is on the minus strand). VCF-style: chr2-162272348-G-C. GRCh37 (hg19) VCF-style: chr2-163128858-G-C.
Other names: short protein forms L832V.
Identifiers: ClinVar variation 3753622 (VCV003753622.2).